The following is an entry in ClinVar:

ClinVar aggregate classification (germline): Uncertain significance (1 of 4 stars; one submission).

Conditions:
Long QT syndrome (LQTS). Identifiers: MedGen C0023976, MeSH D008133, MONDO:0002442. Disease mechanism: loss of function. Inheritance: Various modes of inheritance.

Submission:

Labcorp Genetics (formerly Invitae), Labcorp
Classification: Uncertain significance for Long QT syndrome. Last evaluated: 2023-10-06. Review status: criteria provided, single submitter. Criteria: Invitae Variant Classification Sherloc (09022015). Collection method: clinical testing. Allele origin: germline.
Comment: This sequence change replaces alanine, which is neutral and non-polar, with proline, which is neutral and non-polar, at codon 352 of the KCNQ1 protein (p.Ala352Pro). This variant is not present in population databases (gnomAD no frequency). This variant has not been reported in the literature in individuals affected with KCNQ1-related conditions. Advanced modeling of protein sequence and biophysical properties (such as structural, functional, and spatial information, amino acid conservation, physicochemical variation, residue mobility, and thermodynamic stability) performed at Invitae indicates that this missense variant is expected to disrupt KCNQ1 protein function. In summary, the available evidence is currently insufficient to determine the role of this variant in disease. Therefore, it has been classified as a Variant of Uncertain Significance.

NM_000218.3(KCNQ1):c.1054G>C (p.Ala352Pro)

Gene: KCNQ1 (potassium voltage-gated channel subfamily Q member 1; plus strand). Cytogenetic location: 11p15.5.
Variant type: single nucleotide variant.
Coding change: c.1054G>C on transcript NM_000218.3 (MANE Select); coding-DNA position 1054, G replaced by C.
Protein change: p.Ala352Pro; replaces alanine 352 with proline.
Molecular consequence: missense variant. On other transcripts: intron variant (2).
Genome position (GRCh38, 1-based): chr11:2,585,233, G>C. VCF-style: chr11-2585233-G-C. GRCh37 (hg19) VCF-style: chr11-2606463-G-C.
Other names: c.784G>C, p.Ala262Pro (NM_001406837.1); c.673G>C, p.Ala225Pro (NM_181798.2); c.1032+1688G>C (NM_001406836.1); c.588+1688G>C (NM_001406838.1); short protein forms A352P, A225P, A262P.
Identifiers: ClinVar variation 2766351 (VCV002766351.3), dbSNP rs2493700735, ClinGen allele CA379133682.